The following is an entry in ClinVar:

ClinVar aggregate classification (germline): Uncertain significance (1 of 4 stars; one submission).

Submission:

GeneDx
Classification: Uncertain significance. Last evaluated: 2024-11-11. Review status: criteria provided, single submitter. Criteria: GeneDx Variant Classification Process June 2021. Collection method: clinical testing. Allele origin: germline. Affected: yes.
Comment: Not observed at significant frequency in large population cohorts (gnomAD); In silico analysis supports that this missense variant has a deleterious effect on protein structure/function; Has not been previously published as pathogenic or benign to our knowledge

NM_001127222.2(CACNA1A):c.3807C>A (p.Asn1269Lys)

Gene: CACNA1A (calcium voltage-gated channel subunit alpha1 A; minus strand). Cytogenetic location: 19p13.13.
Variant type: single nucleotide variant.
Coding change: c.3807C>A on transcript NM_001127222.2 (MANE Select); coding-DNA position 3807, C replaced by A.
Protein change: p.Asn1269Lys; replaces asparagine 1269 with lysine.
Molecular consequence: missense variant.
Genome position (GRCh38, 1-based): chr19:13,283,282, G>T on the plus strand (C>A on the coding strand, the complement: CACNA1A is on the minus strand). VCF-style: chr19-13283282-G-T. GRCh37 (hg19) VCF-style: chr19-13394096-G-T.
Other names: c.3819C>A, p.Asn1273Lys (NM_000068.4, NM_023035.3); c.3810C>A, p.Asn1270Lys (NM_001127221.2, NM_001174080.2); short protein forms N1269K, N1270K, N1273K.
Identifiers: ClinVar variation 3899128 (VCV003899128.1).
Genomic context (GRCh38, chr19:13,283,282, plus strand): 5'-GGCAGAGCAGCCAGGCTAGGAAGGGGTGTGCTCTGTGGGACTCACGTTGTTCCGAGGTGC[G>T]TTGGGCTGCACAGGGTCCTCGGCGGCCAGGGCGATGCTGCTCATGGCAATGACCATGAGG-3'
Protein context (NP_001120694.1, residues 1259-1279): ALAAEDPVQP[Asn1269Lys]APRNNVLRYF